The following is an entry in ClinVar:

NM_002693.3(POLG):c.1022_1023delinsAT (p.Ala341Asp)

Gene: POLG (DNA polymerase gamma, catalytic subunit; minus strand). Cytogenetic location: 15q26.1.
Variant type: Indel.
Coding change: c.1022_1023delinsAT on transcript NM_002693.3 (MANE Select); coding-DNA positions 1022 to 1023, CG replaced by AT.
Protein change: p.Ala341Asp; replaces alanine 341 with aspartic acid.
Molecular consequence: missense variant.
Genome position (GRCh38, 1-based): chr15:89,328,943-89,328,944, CG replaced by AT on the plus strand (CG replaced by AT on the coding strand, the reverse complement: POLG is on the minus strand). VCF-style: chr15-89328943-CG-AT. GRCh37 (hg19) VCF-style: chr15-89872174-CG-AT.
Other names: c.1022_1023delinsAT, p.Ala341Asp (NM_001126131.2); short protein forms A341D.
Identifiers: ClinVar variation 946586 (VCV000946586.10), dbSNP rs2055559226, ClinGen allele CA1139664124.

ClinVar aggregate classification (germline): Uncertain significance (1 of 4 stars; one submission).

Conditions:
Progressive sclerosing poliodystrophy (MTDPS4A). Also called: NEURONAL DEGENERATION OF CHILDHOOD WITH LIVER DISEASE, PROGRESSIVE; ALPERS PROGRESSIVE INFANTILE POLIODYSTROPHY; Mitochondrial DNA Depletion Syndrome 4A; Alpers-Huttenlocher Syndrome (AHS); Alpers Syndrome; ALPERS DIFFUSE DEGENERATION OF CEREBRAL GRAY MATTER WITH HEPATIC CIRRHOSIS. Identifiers: Orphanet 726, MedGen C0205710, MONDO:0008758, OMIM 203700.

Submission:

Labcorp Genetics (formerly Invitae), Labcorp
Classification: Uncertain significance for Progressive sclerosing poliodystrophy. Last evaluated: 2025-08-29. Review status: criteria provided, single submitter. Criteria: Invitae Variant Classification Sherloc (09022015). Collection method: clinical testing. Allele origin: germline.
Comment: This sequence change replaces alanine, which is neutral and non-polar, with aspartic acid, which is acidic and polar, at codon 341 of the POLG protein (p.Ala341Asp). This variant also falls at the last nucleotide of exon 4, which is part of the consensus splice site for this exon. Information on the frequency of this variant in the gnomAD database is not available, as this variant may be reported differently in the database. This variant has not been reported in the literature in individuals affected with POLG-related conditions. ClinVar contains an entry for this variant (Variation ID: 946586). An algorithm developed to predict the effect of missense changes on protein structure and function (PolyPhen-2) suggests that this variant is likely to be tolerated. Variants that disrupt the consensus splice site are a relatively common cause of aberrant splicing (PMID: 17576681, 9536098). In summary, the available evidence is currently insufficient to determine the role of this variant in disease. Therefore, it has been classified as a Variant of Uncertain Significance.

Literature cited by the submitters: PubMed 17576681; PubMed 9536098.